The following is an entry in ClinVar:

ClinVar aggregate classification (germline): Likely benign. Review status: criteria provided, single submitter (1 of 4 stars). 2 submissions from 2 submitters: Likely benign (1). 1 of the submissions does not count toward it. Last evaluated 2024-09-23.

Conditions:
GIGYF1-related disorder. Also called: GIGYF1-related condition.

Allele frequency attached by ClinVar (database versions not stated): gnomAD exomes 0.00036; ExAC 0.00114; 1000 Genomes Project 30x 0.00344; gnomAD 0.00362; 1000 Genomes Project 0.00379; ESP Exome Variant Server 0.00384; TOPMed 0.00391.

Submissions (2):

Blueprint Genetics
Classification: Likely benign. Last evaluated: 2024-09-23. Review status: criteria provided, single submitter. Criteria: ACMG Guidelines, 2015. Collection method: clinical testing. Allele origin: germline.

PreventionGenetics, part of Exact Sciences
Classification: Benign for GIGYF1-related condition. Last evaluated: 2022-01-31. Review status: no assertion criteria provided. Collection method: clinical testing. Allele origin: germline. Not counted in ClinVar's aggregate classification.
Comment: This variant is classified as benign based on ACMG/AMP sequence variant interpretation guidelines (Richards et al. 2015 PMID: 25741868, with internal and published modifications).

NM_001375765.1(GIGYF1):c.2004C>T (p.Asn668=)

Gene: GIGYF1 (GRB10 interacting GYF protein 1; minus strand). Cytogenetic location: 7q22.1.
Variant type: single nucleotide variant.
Coding change: c.2004C>T on transcript NM_001375765.1 (MANE Select); coding-DNA position 2004, C replaced by T.
Protein change: p.Asn668=; no amino-acid change (asparagine 668 retained).
Molecular consequence: synonymous variant. On other transcripts: non-coding transcript variant (1).
Genome position (GRCh38, 1-based): chr7:100,683,598, G>A on the plus strand (C>T on the coding strand, the complement: GIGYF1 is on the minus strand). VCF-style: chr7-100683598-G-A. GRCh37 (hg19) VCF-style: chr7-100281221-G-A.
Other names: NM_022574.4:c.2004C>T; c.2004C>T, p.Asn668= (NM_001375759.1, NM_001375760.1, NM_001375761.1 and 6 more transcripts).
Identifiers: ClinVar variation 3049526 (VCV003049526.3), dbSNP rs111254792, ClinGen allele CA4388283.